The following is an entry in ClinVar:

ClinVar aggregate classification (germline): Uncertain significance (1 of 4 stars; one submission).

Allele frequency attached by ClinVar (database versions not stated): gnomAD exomes 0.00001; ExAC 0.00002.
gnomAD v4.1: 9 of 1,613,834 alleles (0.00056%); highest among the groups gnomAD compares: African/African-American, 0.0093%; no homozygotes.

Submission:

Labcorp Genetics (formerly Invitae), Labcorp
Classification: Uncertain significance. Last evaluated: 2023-08-04. Review status: criteria provided, single submitter. Criteria: Invitae Variant Classification Sherloc (09022015). Collection method: clinical testing. Allele origin: germline.
Comment: In summary, the available evidence is currently insufficient to determine the role of this variant in disease. Therefore, it has been classified as a Variant of Uncertain Significance. Algorithms developed to predict the effect of missense changes on protein structure and function output the following: SIFT: "Not Available"; PolyPhen-2: "Benign"; Align-GVGD: "Not Available". The aspartic acid amino acid residue is found in multiple mammalian species, which suggests that this missense change does not adversely affect protein function. ClinVar contains an entry for this variant (Variation ID: 1462081). This variant has not been reported in the literature in individuals affected with VCAN-related conditions. This variant is present in population databases (rs759019265, gnomAD 0.02%). This sequence change replaces glycine, which is neutral and non-polar, with aspartic acid, which is acidic and polar, at codon 2049 of the VCAN protein (p.Gly2049Asp).

NM_004385.5(VCAN):c.6146G>A (p.Gly2049Asp)

Genes: VCAN (versican; plus strand), VCAN-AS1 (VCAN antisense RNA 1; minus strand). Cytogenetic location: 5q14.3.
Variant type: single nucleotide variant.
Coding change: c.6146G>A on transcript NM_004385.5 (MANE Select); coding-DNA position 6146, G replaced by A.
Protein change: p.Gly2049Asp; replaces glycine 2049 with aspartic acid.
Molecular consequence: missense variant. On other transcripts: intron variant (2).
Genome position (GRCh38, 1-based): chr5:83,539,149, G>A. VCF-style: chr5-83539149-G-A. GRCh37 (hg19) VCF-style: chr5-82834968-G-A.
Other names: c.3185G>A, p.Gly1062Asp (NM_001164097.2); c.4004-6388G>A (NM_001164098.2); c.1043-6388G>A (NM_001126336.3); short protein forms G1062D, G2049D.
Identifiers: ClinVar variation 1462081 (VCV001462081.6), dbSNP rs759019265, ClinGen allele CA3333440.